The following is an entry in ClinVar:

NM_001161352.2(KCNMA1):c.*321C>T

Gene: KCNMA1 (potassium calcium-activated channel subfamily M alpha 1; minus strand). Cytogenetic location: 10q22.3.
Variant type: single nucleotide variant.
Coding change: c.*321C>T on transcript NM_001161352.2 (MANE Select); 321 bases downstream of the stop codon, C replaced by T.
Molecular consequence: 3 prime UTR variant. On other transcripts: intron variant (7).
Genome position (GRCh38, 1-based): chr10:76,886,945, G>A on the plus strand (C>T on the coding strand, the complement: KCNMA1 is on the minus strand). VCF-style: chr10-76886945-G-A. GRCh37 (hg19) VCF-style: chr10-78646703-G-A.
Other names: c.*321C>T (NM_001161353.2, NM_001271519.2, NM_001322836.2 and 2 more transcripts); c.3362+346C>T (NM_001271518.2); c.3512+346C>T (NM_001322832.2); c.3521+346C>T (NM_001322829.2); c.3524+346C>T (NM_001014797.3); c.3605+346C>T (NM_001322835.2); c.3614+346C>T (NM_001322830.2); c.3059+346C>T (NM_001322838.2).
Identifiers: ClinVar variation 300955 (VCV000300955.9), dbSNP rs7078702, ClinGen allele CA10632323.

ClinVar aggregate classification (germline): Likely benign. Review status: criteria provided, multiple submitters, no conflicts (2 of 4 stars). 3 submissions from 3 submitters: Likely benign (3). Last evaluated 2018-07-26.

Conditions:
Generalized epilepsy-paroxysmal dyskinesia syndrome (PNKD3). Also called: Paroxysmal nonkinesigenic dyskinesia, 3, with or without generalized epilepsy; Generalized epilepsy and paroxysmal dyskinesia. Identifiers: Orphanet 79137, MedGen C5574945, MONDO:0012276, OMIM 609446.

Allele frequency attached by ClinVar (database versions not stated): gnomAD exomes 0.00114; 1000 Genomes Project 30x 0.01234; gnomAD 0.01265 and 0.01169; 1000 Genomes Project 0.01178; TOPMed 0.01305.
gnomAD v4.1: 3,053 of 1,196,804 alleles (0.26%); highest among the groups gnomAD compares: African/African-American, 3.9%; 46 homozygotes.

Submissions (3):

GeneDx
Classification: Likely benign. Last evaluated: 2018-07-26. Review status: criteria provided, single submitter. Criteria: GeneDx Variant Classification Process June 2021. Collection method: clinical testing. Allele origin: germline. Affected: yes.

Illumina Laboratory Services, Illumina
Classification: Likely benign for Generalized epilepsy-paroxysmal dyskinesia syndrome. Last evaluated: 2018-01-13. Review status: criteria provided, single submitter. Criteria: ICSL Variant Classification Criteria 13 December 2019. Collection method: clinical testing. Allele origin: germline.
Comment: This variant was observed in the ICSL laboratory as part of a predisposition screen in an ostensibly healthy population. It had not been previously curated by ICSL or reported in the Human Gene Mutation Database (HGMD: prior to June 1st, 2018), and was therefore a candidate for classification through an automated scoring system. Utilizing variant allele frequency, disease prevalence and penetrance estimates, and inheritance mode, an automated score was calculated to assess if this variant is too frequent to cause the disease. Based on the score and internal cut-off values, a variant classified as likely benign is not then subjected to further curation. The score for this variant resulted in a classification of likely benign for this disease.

Breakthrough Genomics
Classification: Likely benign. Review status: criteria provided, single submitter. Criteria: ACMG Guidelines, 2015. Collection method: not provided. Allele origin: germline. Inheritance: Autosomal recessive inheritance. Affected: yes.